The following is an entry in ClinVar:

NM_018116.4(MSTO1):c.1054T>C (p.Ser352Pro)

Gene: MSTO1 (misato mitochondrial distribution and morphology regulator 1; plus strand). Cytogenetic location: 1q22.
Variant type: single nucleotide variant.
Coding change: c.1054T>C on transcript NM_018116.4 (MANE Select); coding-DNA position 1054, T replaced by C.
Protein change: p.Ser352Pro; replaces serine 352 with proline.
Molecular consequence: missense variant. On other transcripts: non-coding transcript variant (6).
Genome position (GRCh38, 1-based): chr1:155,612,931, T>C. VCF-style: chr1-155612931-T-C. GRCh37 (hg19) VCF-style: chr1-155582722-T-C.
Other names: p.Ser352Pro; c.1054T>C, p.Ser352Pro (NM_001256532.1, NM_001256533.1, NM_001350772.1 and 3 more transcripts); c.889T>C, p.Ser297Pro (NM_001350776.1); c.523T>C, p.Ser175Pro (NM_001350777.1, NM_001350778.1, NM_001350779.1); c.520T>C, p.Ser174Pro (NM_001350780.1, NM_001350781.1, NM_001350782.1 and 3 more transcripts); c.511T>C, p.Ser171Pro (NM_001350784.1, NM_001350785.1, NM_001350787.1 and 1 more transcripts); short protein forms S171P, S174P, S175P, S297P, S352P.
Identifiers: ClinVar variation 2682660 (VCV002682660.2), dbSNP rs1217972304, ClinGen allele CA342759514.
Genomic context (GRCh38, chr1:155,612,931, plus strand): 5'-ATCCTGGCTACAGCCCTGGACACAGTCACTGTTCCTTATCGCCTGTGTTCCTCTCCAGTT[T>C]CCATGGTTCATCTGGCTGACATGCTGAGCTTCTGTGGGAAAAAGGTATGAAGCTTTGTAA-3'
Protein context (NP_060586.2, residues 342-362): VPYRLCSSPV[Ser352Pro]MVHLADMLSF

ClinVar aggregate classification (germline): Uncertain significance (1 of 4 stars; one submission).

Allele frequency attached by ClinVar (database versions not stated): TOPMed below 0.00001; gnomAD exomes 0.00001; gnomAD 0.00001.
gnomAD v4.1: 12 of 1,613,840 alleles (0.00074%); highest among the groups gnomAD compares: Non-Finnish European, 0.001%; no homozygotes.

Submission:

Mayo Clinic Laboratories, Mayo Clinic
Classification: Uncertain significance. Last evaluated: 2025-05-20. Review status: criteria provided, single submitter. Criteria: ACMG Guidelines, 2015. Collection method: clinical testing. Allele origin: germline. Observed: 2 variant alleles.
Comment: BP4